The following is an entry in ClinVar:

ClinVar aggregate classification (germline): Uncertain significance (1 of 4 stars; one submission).

Conditions:
Early-infantile DEE. Also called: Early infantile epileptic encephalopathy with suppression bursts; Early infantile epileptic encephalopathy; Ohtahara syndrome. Identifiers: Orphanet 1934, MedGen C0393706, MONDO:0800491.

Submission:

Labcorp Genetics (formerly Invitae), Labcorp
Classification: Uncertain significance for Early-infantile DEE. Last evaluated: 2025-09-14. Review status: criteria provided, single submitter. Criteria: Invitae Variant Classification Sherloc (09022015). Collection method: clinical testing. Allele origin: germline.
Comment: This sequence change replaces isoleucine, which is neutral and non-polar, with valine, which is neutral and non-polar, at codon 1528 of the SCN8A protein (p.Ile1528Val). This variant is not present in population databases (gnomAD no frequency). This variant has not been reported in the literature in individuals affected with SCN8A-related conditions. Invitae Evidence Modeling of protein sequence and biophysical properties (such as structural, functional, and spatial information, amino acid conservation, physicochemical variation, residue mobility, and thermodynamic stability) has been performed for this missense variant. However, the output from this modeling did not meet the statistical confidence thresholds required to predict the impact of this variant on SCN8A protein function. This variant disrupts the p.Ile1528 amino acid residue in SCN8A. Other variant(s) that disrupt this residue have been determined to be pathogenic (internal data). This suggests that this residue is clinically significant, and that variants that disrupt this residue are likely to be disease-causing. In summary, the available evidence is currently insufficient to determine the role of this variant in disease. Therefore, it has been classified as a Variant of Uncertain Significance.

NM_001330260.2(SCN8A):c.4582A>G (p.Ile1528Val)

Gene: SCN8A (sodium voltage-gated channel alpha subunit 8; plus strand). Cytogenetic location: 12q13.13.
Variant type: single nucleotide variant.
Coding change: c.4582A>G on transcript NM_001330260.2 (MANE Select); coding-DNA position 4582, A replaced by G.
Protein change: p.Ile1528Val; replaces isoleucine 1528 with valine.
Molecular consequence: missense variant.
Genome position (GRCh38, 1-based): chr12:51,794,428, A>G. VCF-style: chr12-51794428-A-G. GRCh37 (hg19) VCF-style: chr12-52188212-A-G.
Other names: c.4459A>G, p.Ile1487Val (NM_001177984.3, NM_001369788.1); c.4582A>G, p.Ile1528Val (NM_014191.4); short protein forms I1487V, I1528V.
Identifiers: ClinVar variation 4801284 (VCV004801284.1).